The following is an entry in ClinVar:

ClinVar aggregate classification (germline): Uncertain significance (1 of 4 stars; one submission).

Allele frequency attached by ClinVar (database versions not stated): gnomAD exomes below 0.00001; TOPMed below 0.00001; gnomAD 0.00001.
gnomAD v4.1: 4 of 1,613,022 alleles (0.00025%); highest among the groups gnomAD compares: African/African-American, 0.0013%; no homozygotes.

Submission:

Labcorp Genetics (formerly Invitae), Labcorp
Classification: Uncertain significance. Last evaluated: 2024-10-21. Review status: criteria provided, single submitter. Criteria: Invitae Variant Classification Sherloc (09022015). Collection method: clinical testing. Allele origin: germline.
Comment: This sequence change affects codon 189 of the SMARCD2 mRNA. It is a 'silent' change, meaning that it does not change the encoded amino acid sequence of the SMARCD2 protein. It affects a nucleotide within the consensus splice site. This variant is not present in population databases (gnomAD no frequency). This variant has not been reported in the literature in individuals affected with SMARCD2-related conditions. ClinVar contains an entry for this variant (Variation ID: 1436201). Algorithms developed to predict the effect of sequence changes on RNA splicing suggest that this variant is not likely to affect RNA splicing. In summary, the available evidence is currently insufficient to determine the role of this variant in disease. Therefore, it has been classified as a Variant of Uncertain Significance.

NM_001098426.2(SMARCD2):c.567A>G (p.Thr189=)

Gene: SMARCD2 (SWI/SNF related BAF chromatin remodeling complex subunit D2; minus strand). Cytogenetic location: 17q23.3.
Variant type: single nucleotide variant.
Coding change: c.567A>G on transcript NM_001098426.2 (MANE Select); coding-DNA position 567, A replaced by G.
Protein change: p.Thr189=; no amino-acid change (threonine 189 retained).
Molecular consequence: synonymous variant.
Genome position (GRCh38, 1-based): chr17:63,836,922, T>C on the plus strand (A>G on the coding strand, the complement: SMARCD2 is on the minus strand). VCF-style: chr17-63836922-T-C. GRCh37 (hg19) VCF-style: chr17-61914282-T-C.
Other names: c.342A>G, p.Thr114= (NM_001330439.1); c.423A>G, p.Thr141= (NM_001330440.2).
Identifiers: ClinVar variation 1436201 (VCV001436201.6), dbSNP rs2040272880, ClinGen allele CA501202130.